The following is an entry in ClinVar:

ClinVar aggregate classification (germline): Uncertain significance (1 of 4 stars; one submission).

gnomAD v4.1: 4 of 1,614,034 alleles (0.00025%); highest among the groups gnomAD compares: Non-Finnish European, 0.00034%; no homozygotes.

Submission:

Labcorp Genetics (formerly Invitae), Labcorp
Classification: Uncertain significance. Last evaluated: 2025-04-14. Review status: criteria provided, single submitter. Criteria: Invitae Variant Classification Sherloc (09022015). Collection method: clinical testing. Allele origin: germline.
Comment: This sequence change replaces asparagine, which is neutral and polar, with threonine, which is neutral and polar, at codon 171 of the TRPV6 protein (p.Asn171Thr). This variant is not present in population databases (gnomAD no frequency). This variant has not been reported in the literature in individuals affected with TRPV6-related conditions. Experimental studies and prediction algorithms are not available or were not evaluated, and the functional significance of this variant is currently unknown. In summary, the available evidence is currently insufficient to determine the role of this variant in disease. Therefore, it has been classified as a Variant of Uncertain Significance.

NM_018646.6(TRPV6):c.512A>C (p.Asn171Thr)

Gene: TRPV6 (transient receptor potential cation channel subfamily V member 6; minus strand). Cytogenetic location: 7q34.
Variant type: single nucleotide variant.
Coding change: c.512A>C on transcript NM_018646.6 (MANE Select); coding-DNA position 512, A replaced by C.
Protein change: p.Asn171Thr; replaces asparagine 171 with threonine.
Molecular consequence: missense variant.
Genome position (GRCh38, 1-based): chr7:142,877,237, T>G on the plus strand (A>C on the coding strand, the complement: TRPV6 is on the minus strand). VCF-style: chr7-142877237-T-G. GRCh37 (hg19) VCF-style: chr7-142574990-T-G.
Other names: short protein forms N171T.
Identifiers: ClinVar variation 4775161 (VCV004775161.1).
Genomic context (GRCh38, chr7:142,877,237, plus strand): 5'-GCAGTGCCTGTGGCTCTGGCAGAGACACTGGCCCTGCGGGCAAGCAGGGCTCGCACCAGG[T>G]TCATGTTCTGGTTCACAACAGCGATGTGCAGTGCAGTCTGACCTGGCCCAGAGACAGCTG-3'
Protein context (NP_061116.5, residues 161-181): LHIAVVNQNM[Asn171Thr]LVRALLARRA